The following is an entry in ClinVar:

ClinVar aggregate classification (germline): Uncertain significance (1 of 4 stars; one submission).

Submission:

Greenwood Genetic Center Diagnostic Laboratories, Greenwood Genetic Center
Classification: Uncertain significance. Last evaluated: 2024-03-01. Review status: criteria provided, single submitter. Criteria: ACMG Guidelines, 2015. Collection method: clinical testing. Allele origin: germline. Affected: yes.
Comment: PM2, PP2, PP3

NM_001271.4(CHD2):c.2033A>T (p.His678Leu)

Gene: CHD2 (chromodomain helicase DNA binding protein 2; plus strand). Cytogenetic location: 15q26.1.
Variant type: single nucleotide variant.
Coding change: c.2033A>T on transcript NM_001271.4 (MANE Select); coding-DNA position 2033, A replaced by T.
Protein change: p.His678Leu; replaces histidine 678 with leucine.
Molecular consequence: missense variant.
Genome position (GRCh38, 1-based): chr15:92,967,357, A>T. VCF-style: chr15-92967357-A-T. GRCh37 (hg19) VCF-style: chr15-93510587-A-T.
Other names: short protein forms H678L.
Identifiers: ClinVar variation 3235772 (VCV003235772.1), dbSNP rs2505515710, ClinGen allele CA393907060.
Genomic context (GRCh38, chr15:92,967,357, plus strand): 5'-AAATAACACTATACTGTTTCTTCCCTAGGTTTGAATTTTGGGAAGATTTTGAAGAAGACC[A>T]TGGGAAGGGGAGAGAAAATGGCTACCAGAGTCTTCATAAGGTGCTAGAGCCTTTCCTTCT-3'
Protein context (NP_001262.3, residues 668-688): FEFWEDFEED[His678Leu]GKGRENGYQS